The following is an entry in ClinVar:

ClinVar aggregate classification (germline): Conflicting classifications of pathogenicity. Review status: criteria provided, conflicting classifications (1 of 4 stars). 3 submissions from 3 submitters: Pathogenic (1); Likely pathogenic (1); Uncertain significance (1). Last evaluated 2025-10-03.

Conditions:
Cataract 41 (CTRCT41). Also called: CATARACT 41, CONGENITAL NUCLEAR TYPE. Identifiers: Orphanet 91492, Orphanet 98991, Orphanet 98992, Orphanet 98995, MedGen C3805412, MONDO:0007287, OMIM 116400.
Autosomal dominant nonsyndromic hearing loss 6 (LFSNHL). Also called: DEAFNESS, AUTOSOMAL DOMINANT 6; Autosomal dominant nonsyndromic deafness 6; DEAFNESS, AUTOSOMAL DOMINANT 14; DEAFNESS, AUTOSOMAL DOMINANT 38. Identifiers: Orphanet 90635, MedGen C1833021, MONDO:0010963, OMIM 600965.
Wolfram-like syndrome. Also called: HEARING LOSS, PROGRESSIVE, WITH OPTIC ATROPHY AND/OR IMPAIRED GLUCOSE REGULATION. Identifiers: Orphanet 411590, MedGen C3280358, MONDO:0013673, OMIM 614296.
Type 2 diabetes mellitus. Also called: Type II diabetes mellitus. Identifiers: MedGen C0011860, MeSH D003924, MONDO:0005148, OMIM 125853, HP:0005978.
Wolfram syndrome 1 (WFS1). Identifiers: Orphanet 3463, MedGen C4551693, MONDO:0009101, OMIM 222300.

Submissions (3):

Mayo Clinic Laboratories, Mayo Clinic
Classification: Uncertain significance. Last evaluated: 2025-10-03. Review status: criteria provided, single submitter. Criteria: ACMG Guidelines, 2015. Collection method: clinical testing. Allele origin: germline. Observed: 1 variant allele.
Comment: PM2_moderate, PM4

Fulgent Genetics
Classification: Likely pathogenic for Cataract 41; Type 2 diabetes mellitus; Wolfram syndrome 1; Autosomal dominant nonsyndromic hearing loss 6; Wolfram-like syndrome. Last evaluated: 2024-01-17. Review status: criteria provided, single submitter. Criteria: ACMG Guidelines, 2015. Collection method: clinical testing. Allele origin: germline.

Labcorp Genetics (formerly Invitae), Labcorp
Classification: Pathogenic. Last evaluated: 2022-03-28. Review status: criteria provided, single submitter. Criteria: Invitae Variant Classification Sherloc (09022015). Collection method: clinical testing. Allele origin: germline.
Comment: Experimental studies and prediction algorithms are not available or were not evaluated, and the functional significance of this variant is currently unknown. This variant has not been reported in the literature in individuals affected with WFS1-related conditions. This variant is not present in population databases (gnomAD no frequency). This variant, c.2455_2502del, results in the deletion of 16 amino acid(s) of the WFS1 protein (p.Gln819_Gly834del), but otherwise preserves the integrity of the reading frame. This variant disrupts a region of the WFS1 protein in which other variant(s) (p.Leu829Pro) have been determined to be pathogenic (PMID: 31363008). This suggests that this is a clinically significant region of the protein, and that variants that disrupt it are likely to be disease-causing. For these reasons, this variant has been classified as Pathogenic.

Literature cited by the submitters: PubMed 18806274 (cited by Mayo Clinic Laboratories, Mayo Clinic); PubMed 31363008 (cited by Labcorp Genetics (formerly Invitae), Labcorp).

NM_006005.3(WFS1):c.2455_2502del (p.Gln819_Gly834del)

Gene: WFS1 (wolframin ER transmembrane glycoprotein; plus strand). Cytogenetic location: 4p16.1.
Variant type: Deletion.
Coding change: c.2455_2502del on transcript NM_006005.3 (MANE Select); coding-DNA positions 2455 to 2502, 48 bases deleted.
Protein change: p.Gln819_Gly834del.
Molecular consequence: inframe deletion.
Genome position (GRCh38, 1-based): chr4:6,302,250-6,302,297, 48 bases deleted; deleting any 48 consecutive bases within chr4:6,302,248-6,302,297 gives the same sequence; the c. name uses the placement nearest the transcript's 3' end. GRCh37 (hg19): chr4:6,303,977-6,304,024.
Other names: p.Gln819_Gly834del; c.2455_2502del, p.Gln819_Gly834del (NM_001145853.1).
Identifiers: ClinVar variation 1958301 (VCV001958301.6), dbSNP rs1730966561, ClinGen allele CA1435772523.